The following is an entry in ClinVar:

NM_000264.5(PTCH1):c.2834G>A (p.Arg945Gln)

Gene: PTCH1 (patched 1; minus strand). Cytogenetic location: 9q22.32.
Variant type: single nucleotide variant.
Coding change: c.2834G>A on transcript NM_000264.5 (MANE Select); coding-DNA position 2834, G replaced by A.
Protein change: p.Arg945Gln; replaces arginine 945 with glutamine.
Molecular consequence: missense variant. On other transcripts: non-coding transcript variant (1).
Genome position (GRCh38, 1-based): chr9:95,459,653, C>T on the plus strand (G>A on the coding strand, the complement: PTCH1 is on the minus strand). VCF-style: chr9-95459653-C-T. GRCh37 (hg19) VCF-style: chr9-98221935-C-T.
Other names: c.2636G>A, p.Arg879Gln (NM_001083602.3); c.2831G>A, p.Arg944Gln (NM_001083603.3); c.2381G>A, p.Arg794Gln (NM_001083604.3, NM_001083605.3, NM_001083606.3 and 1 more transcripts); c.2678G>A, p.Arg893Gln (NM_001354918.2); short protein forms R879Q, R945Q, R944Q, R794Q, R893Q.
Identifiers: ClinVar variation 41657 (VCV000041657.19), dbSNP rs201118857, ClinGen allele CA215700.

ClinVar aggregate classification (germline): Conflicting classifications of pathogenicity. Review status: criteria provided, conflicting classifications (1 of 4 stars). 4 submissions from 4 submitters: Uncertain significance (1); Likely benign (2). 1 of the submissions does not count toward it. Last evaluated 2026-01-15.

Conditions:
Hereditary cancer-predisposing syndrome. Also called: Tumor predisposition; Neoplastic Syndromes, Hereditary; Hereditary neoplastic syndrome; Hereditary Cancer Syndrome. Identifiers: Orphanet 140162, MedGen C0027672, MeSH D009386, MONDO:0015356.
Gorlin syndrome. Also called: Nevoid Basal Cell Carcinoma Syndrome; Basal cell nevus syndrome. Identifiers: Orphanet 377, MedGen C0004779, MONDO:0007187.

Allele frequency attached by ClinVar (database versions not stated): ExAC 0.00001; gnomAD 0.00005; TOPMed 0.00006.
gnomAD v4.1: 25 of 1,614,020 alleles (0.0015%); highest among the groups gnomAD compares: African/African-American, 0.0053%; no homozygotes.

Submissions (4):

Labcorp Genetics (formerly Invitae), Labcorp
Classification: Likely benign for Gorlin syndrome. Last evaluated: 2026-01-15. Review status: criteria provided, single submitter. Criteria: Invitae Variant Classification Sherloc (09022015). Collection method: clinical testing. Allele origin: germline.

Women's Health and Genetics/Laboratory Corporation of America, LabCorp
Classification: Uncertain significance. Last evaluated: 2025-11-19. Review status: criteria provided, single submitter. Criteria: LabCorp Variant Classification Summary - May 2015. Collection method: clinical testing. Allele origin: germline.
Comment: Variant summary: PTCH1 c.2834G>A (p.Arg945Gln) results in a conservative amino acid change in the encoded protein sequence. Algorithms developed to predict the effect of missense changes on protein structure and function all suggest that this variant is likely to be tolerated. The variant allele was found at a frequency of 2e-05 in 251486 control chromosomes. The available data on variant occurrences in the general population are insufficient to allow any conclusion about variant significance. c.2834G>A has been observed in at least one individual affected with breast cancer (Zhunussova_2023). This report does not provide unequivocal conclusions about association of the variant with Nevoid Basal Cell Carcinoma Syndrome (Gorlin Syndrome). To our knowledge, no experimental evidence demonstrating an impact on protein function has been reported. The following publication has been ascertained in the context of this evaluation (PMID: 37791908). ClinVar contains an entry for this variant (Variation ID: 41657). Based on the evidence outlined above, the variant was classified as uncertain significance.

Ambry Genetics
Classification: Likely benign for Hereditary cancer-predisposing syndrome. Last evaluated: 2021-03-09. Review status: criteria provided, single submitter. Criteria: Ambry Variant Classification Scheme 2023. Collection method: clinical testing. Allele origin: germline.

Biesecker Lab/Clinical Genomics Section, National Institutes of Health
Classification: Uncertain significance. Last evaluated: 2012-07-13. Review status: no assertion criteria provided. Collection method: research. Allele origin: germline. Affected: no. Observed: 1 variant allele. Study: ClinSeq. Not counted in ClinVar's aggregate classification.
ClinVar note: Converted during submission from variant of unknown significance to Uncertain significance.

Literature cited by the submitters: PubMed 37791908 (cited by Women's Health and Genetics/Laboratory Corporation of America, LabCorp); PubMed 15290653 (cited by Ambry Genetics); PubMed 21490102 (cited by Ambry Genetics); PubMed 22193408 (cited by Ambry Genetics); PubMed 33609447 (cited by Ambry Genetics).